The following is an entry in ClinVar:

NM_005012.4(ROR1):c.814A>G (p.Met272Val)

Gene: ROR1 (receptor tyrosine kinase like orphan receptor 1; plus strand). Cytogenetic location: 1p31.3.
Variant type: single nucleotide variant.
Coding change: c.814A>G on transcript NM_005012.4 (MANE Select); coding-DNA position 814, A replaced by G.
Protein change: p.Met272Val; replaces methionine 272 with valine.
Molecular consequence: missense variant.
Genome position (GRCh38, 1-based): chr1:64,140,312, A>G. VCF-style: chr1-64140312-A-G. GRCh37 (hg19) VCF-style: chr1-64605995-A-G.
Other names: c.814A>G, p.Met272Val (NM_001083592.2); short protein forms M272V.
Identifiers: ClinVar variation 3021304 (VCV003021304.3), dbSNP rs756017115, ClinGen allele CA890155.

ClinVar aggregate classification (germline): Uncertain significance (1 of 4 stars; one submission).

Allele frequency attached by ClinVar (database versions not stated): TOPMed below 0.00001; gnomAD 0.00001.
gnomAD v4.1: 6 of 1,614,056 alleles (0.00037%); highest among the groups gnomAD compares: South Asian, 0.0044%; no homozygotes.

Submission:

Labcorp Genetics (formerly Invitae), Labcorp
Classification: Uncertain significance. Last evaluated: 2023-02-13. Review status: criteria provided, single submitter. Criteria: Invitae Variant Classification Sherloc (09022015). Collection method: clinical testing. Allele origin: germline.
Comment: This sequence change replaces methionine, which is neutral and non-polar, with valine, which is neutral and non-polar, at codon 272 of the ROR1 protein (p.Met272Val). This variant is present in population databases (rs756017115, gnomAD 0.0009%). This variant has not been reported in the literature in individuals affected with ROR1-related conditions. Advanced modeling of protein sequence and biophysical properties (such as structural, functional, and spatial information, amino acid conservation, physicochemical variation, residue mobility, and thermodynamic stability) performed at Invitae indicates that this missense variant is not expected to disrupt ROR1 protein function. In summary, the available evidence is currently insufficient to determine the role of this variant in disease. Therefore, it has been classified as a Variant of Uncertain Significance.